The following is an entry in ClinVar:

NM_018131.5(CEP55):c.807T>G (p.Tyr269Ter)

Gene: CEP55 (centrosomal protein 55; plus strand). Cytogenetic location: 10q23.33.
Variant type: single nucleotide variant.
Coding change: c.807T>G on transcript NM_018131.5 (MANE Select); coding-DNA position 807, T replaced by G.
Protein change: p.Tyr269Ter; replaces tyrosine 269 with a stop codon.
Molecular consequence: nonsense.
Genome position (GRCh38, 1-based): chr10:93,517,062, T>G. VCF-style: chr10-93517062-T-G. GRCh37 (hg19) VCF-style: chr10-95276819-T-G.
Other names: c.807T>G, p.Tyr269Ter (NM_001127182.2); c.807T>G (NM_001127182.1); short protein forms Y269*.
Identifiers: ClinVar variation 917933 (VCV000917933.3), dbSNP rs1297300713, ClinGen allele CA377607393.

ClinVar aggregate classification (germline): Pathogenic/Likely pathogenic. Review status: no assertion criteria provided (0 of 4 stars). 2 submissions from 2 submitters: Pathogenic (1); Likely pathogenic (1). Last evaluated 2024-02-27.

Conditions:
CEP55-related disorder. Also called: CEP55-related condition.
Multinucleated neurons-anhydramnios-renal dysplasia-cerebellar hypoplasia-hydranencephaly syndrome. Also called: Hydranencephaly with renal aplasia-dysplasia. Identifiers: Orphanet 500135, MedGen C1856053, MONDO:0009359, OMIM 236500.

Submissions (2):

PreventionGenetics, part of Exact Sciences
Classification: Likely pathogenic for CEP55-related condition. Last evaluated: 2024-02-27. Review status: no assertion criteria provided. Collection method: clinical testing. Allele origin: germline.
Comment: The CEP55 c.807T>G variant is predicted to result in premature protein termination (p.Tyr269*). This variant was reported in the homozygous state in a fetus with renal dysplasia, anhydramnios, and hydranencephaly (Table S1, Monies et al. 2019. PubMed ID: 31130284). This variant has not been reported in a large population database, indicating this variant is rare. Nonsense variants in CEP55 are expected to be pathogenic. This variant is interpreted as likely pathogenic.

Genomic Medicine Center of Excellence, King Faisal Specialist Hospital and Research Centre
Classification: Pathogenic for Multinucleated neurons-anhydramnios-renal dysplasia-cerebellar hypoplasia-hydranencephaly syndrome. Review status: no assertion criteria provided. Collection method: research. Allele origin: germline. Affected: yes.